The following is an entry in ClinVar:

NM_001379200.1(TBX1):c.1268A>C (p.His423Pro)

Gene: TBX1 (T-box transcription factor 1; plus strand). Cytogenetic location: 22q11.21.
Variant type: single nucleotide variant.
Coding change: c.1268A>C on transcript NM_001379200.1 (MANE Select); coding-DNA position 1268, A replaced by C.
Protein change: p.His423Pro; replaces histidine 423 with proline.
Molecular consequence: missense variant. On other transcripts: intron variant (2).
Genome position (GRCh38, 1-based): chr22:19,766,620, A>C. VCF-style: chr22-19766620-A-C. GRCh37 (hg19) VCF-style: chr22-19754143-A-C.
Other names: c.1241A>C, p.His414Pro (NM_080647.1); c.1009+618A>C (NM_005992.1, NM_080646.2); short protein forms H414P, H423P.
Identifiers: ClinVar variation 1721103 (VCV001721103.5), dbSNP rs1368567503, ClinGen allele CA410684759.
Genomic context (GRCh38, chr22:19,766,620, plus strand): 5'-GTCCCCCGAACCCCGAGCTGCGCCTGGAGGCGCCCGGCGCATCGGAGCCGCTGCACCACC[A>C]CCCCTACAAATATCCGGCCGCCGCCTACGACCACTATCTCGGGGCCAAGAGCCGGCCGGC-3'
Protein context (NP_001366129.1, residues 413-433): APGASEPLHH[His423Pro]PYKYPAAAYD

ClinVar aggregate classification (germline): Uncertain significance (1 of 4 stars; one submission).

Conditions:
DiGeorge syndrome. Also called: THIRD AND FOURTH PHARYNGEAL POUCH SYNDROME; Catch22. Identifiers: Orphanet 567, MedGen C0012236, MONDO:0008564, OMIM 188400.

Submission:

Labcorp Genetics (formerly Invitae), Labcorp
Classification: Uncertain significance for DiGeorge syndrome. Last evaluated: 2022-10-07. Review status: criteria provided, single submitter. Criteria: Invitae Variant Classification Sherloc (09022015). Collection method: clinical testing. Allele origin: germline.
Comment: This sequence change replaces histidine, which is basic and polar, with proline, which is neutral and non-polar, at codon 414 of the TBX1 protein (p.His414Pro). This variant is not present in population databases (gnomAD no frequency). This variant has not been reported in the literature in individuals affected with TBX1-related conditions. Algorithms developed to predict the effect of missense changes on protein structure and function are either unavailable or do not agree on the potential impact of this missense change (SIFT: "Deleterious"; PolyPhen-2: "Probably Damaging"; Align-GVGD: "Class C0"). In summary, the available evidence is currently insufficient to determine the role of this variant in disease. Therefore, it has been classified as a Variant of Uncertain Significance.